The following is an entry in ClinVar:

NM_152703.5(SAMD9L):c.50A>G (p.Glu17Gly)

Gene: SAMD9L (sterile alpha motif domain containing 9 like; minus strand). Cytogenetic location: 7q21.2.
Variant type: single nucleotide variant.
Coding change: c.50A>G on transcript NM_152703.5 (MANE Select); coding-DNA position 50, A replaced by G.
Protein change: p.Glu17Gly; replaces glutamic acid 17 with glycine.
Molecular consequence: missense variant.
Genome position (GRCh38, 1-based): chr7:93,135,922, T>C on the plus strand (A>G on the coding strand, the complement: SAMD9L is on the minus strand). VCF-style: chr7-93135922-T-C. GRCh37 (hg19) VCF-style: chr7-92765235-T-C.
Other names: c.50A>G (NM_152703.3); c.50A>G, p.Glu17Gly (NM_001303496.3, NM_001303497.3, NM_001303498.3 and 5 more transcripts); short protein forms E17G.
Identifiers: ClinVar variation 2345740 (VCV002345740.8), dbSNP rs768920362, ClinGen allele CA4343942.

ClinVar aggregate classification (germline): Uncertain significance. Review status: criteria provided, multiple submitters, no conflicts (2 of 4 stars). 3 submissions from 3 submitters: Uncertain significance (3). Last evaluated 2025-12-04.

Conditions:
SAMD9L-related disorder. Also called: SAMD9L-related disorders; SAMD9L-related condition.
Inborn genetic diseases. Identifiers: MedGen C0950123, MeSH D030342.

Allele frequency attached by ClinVar (database versions not stated): gnomAD exomes below 0.00001; ExAC 0.00001; gnomAD 0.00001; TOPMed 0.00001.

Submissions (3):

Ambry Genetics
Classification: Uncertain significance for Inborn genetic diseases. Last evaluated: 2025-12-04. Review status: criteria provided, single submitter. Criteria: Ambry Variant Classification Scheme 2023. Collection method: clinical testing. Allele origin: germline.

Labcorp Genetics (formerly Invitae), Labcorp
Classification: Uncertain significance. Last evaluated: 2025-02-17. Review status: criteria provided, single submitter. Criteria: Invitae Variant Classification Sherloc (09022015). Collection method: clinical testing. Allele origin: germline.
Comment: This sequence change replaces glutamic acid, which is acidic and polar, with glycine, which is neutral and non-polar, at codon 17 of the SAMD9L protein (p.Glu17Gly). This variant is present in population databases (rs768920362, gnomAD 0.006%). This variant has not been reported in the literature in individuals affected with SAMD9L-related conditions. ClinVar contains an entry for this variant (Variation ID: 2345740). An algorithm developed to predict the effect of missense changes on protein structure and function (PolyPhen-2) suggests that this variant is likely to be disruptive. In summary, the available evidence is currently insufficient to determine the role of this variant in disease. Therefore, it has been classified as a Variant of Uncertain Significance.

PreventionGenetics, part of Exact Sciences
Classification: Uncertain significance for SAMD9L-related condition. Last evaluated: 2022-12-21. Review status: criteria provided, single submitter. Criteria: ACMG Guidelines, 2015. Collection method: clinical testing. Allele origin: germline.
Comment: The SAMD9L c.50A>G variant is predicted to result in the amino acid substitution p.Glu17Gly. To our knowledge, this variant has not been reported in the literature. This variant is reported in 0.0059% of alleles in individuals of Latino descent in gnomAD. At this time, the clinical significance of this variant is uncertain due to the absence of conclusive functional and genetic evidence.